The following is an entry in ClinVar:

NM_020529.3(NFKBIA):c.653G>A (p.Arg218Gln)

Gene: NFKBIA (NFKB inhibitor alpha; minus strand). Cytogenetic location: 14q13.2.
Variant type: single nucleotide variant.
Coding change: c.653G>A on transcript NM_020529.3 (MANE Select); coding-DNA position 653, G replaced by A.
Protein change: p.Arg218Gln; replaces arginine 218 with glutamine.
Molecular consequence: missense variant.
Genome position (GRCh38, 1-based): chr14:35,402,647, C>T on the plus strand (G>A on the coding strand, the complement: NFKBIA is on the minus strand). VCF-style: chr14-35402647-C-T. GRCh37 (hg19) VCF-style: chr14-35871853-C-T.
Other names: short protein forms R218Q.
Identifiers: ClinVar variation 2876029 (VCV002876029.3), dbSNP rs1205585858, ClinGen allele CA389452392.

ClinVar aggregate classification (germline): Uncertain significance (1 of 4 stars; one submission).

Conditions:
Ectodermal dysplasia and immunodeficiency 2. Identifiers: Orphanet 238468, Orphanet 98813, MedGen C2677481, MONDO:0012806, OMIM 612132.

Allele frequency attached by ClinVar (database versions not stated): gnomAD exomes below 0.00001; gnomAD 0.00001.
gnomAD v4.1: 3 of 1,614,078 alleles (0.00019%); highest among the groups gnomAD compares: South Asian, 0.0011%; no homozygotes.

Submission:

Labcorp Genetics (formerly Invitae), Labcorp
Classification: Uncertain significance for Ectodermal dysplasia and immunodeficiency 2. Last evaluated: 2023-09-17. Review status: criteria provided, single submitter. Criteria: Invitae Variant Classification Sherloc (09022015). Collection method: clinical testing. Allele origin: germline.
Comment: This sequence change replaces arginine, which is basic and polar, with glutamine, which is neutral and polar, at codon 218 of the NFKBIA protein (p.Arg218Gln). In summary, the available evidence is currently insufficient to determine the role of this variant in disease. Therefore, it has been classified as a Variant of Uncertain Significance. An algorithm developed to predict the effect of missense changes on protein structure and function (PolyPhen-2) suggests that this variant is likely to be disruptive. This variant has not been reported in the literature in individuals affected with NFKBIA-related conditions. This variant is present in population databases (no rsID available, gnomAD 0.003%).